The following is an entry in ClinVar:

NM_003590.5(CUL3):c.767C>T (p.Thr256Met)

Gene: CUL3 (cullin 3; minus strand). Cytogenetic location: 2q36.2.
Variant type: single nucleotide variant.
Coding change: c.767C>T on transcript NM_003590.5 (MANE Select); coding-DNA position 767, C replaced by T.
Protein change: p.Thr256Met; replaces threonine 256 with methionine.
Molecular consequence: missense variant.
Genome position (GRCh38, 1-based): chr2:224,511,470, G>A on the plus strand (C>T on the coding strand, the complement: CUL3 is on the minus strand). VCF-style: chr2-224511470-G-A. GRCh37 (hg19) VCF-style: chr2-225376187-G-A.
Other names: c.569C>T, p.Thr190Met (NM_001257197.2); c.785C>T, p.Thr262Met (NM_001257198.2); short protein forms T190M, T256M, T262M.
Identifiers: ClinVar variation 4526708 (VCV004526708.1).

ClinVar aggregate classification (germline): Uncertain significance (1 of 4 stars; one submission).

Conditions:
Neurodevelopmental disorder with or without autism or seizures (NEDAUS). Identifiers: MedGen C5543225, MONDO:0030994, OMIM 619239.

gnomAD v4.1: 5 of 1,613,184 alleles (0.00031%); highest among the groups gnomAD compares: African/African-American, 0.0013%; no homozygotes.

Submission:

Hadassah Hebrew University Medical Center
Classification: Uncertain significance for Neurodevelopmental disorder with or without autism or seizures. Last evaluated: 2025-10-01. Review status: criteria provided, single submitter. Criteria: ACMG Guidelines, 2015. Collection method: clinical testing. Allele origin: unknown. Affected: yes.
Comment: This variant is absent from the global population databases (PM2_Moderate); Multiple lines of computational evidence suggest a deleterious effect on gene or gene product (PP3_Supporting)